The following is an entry in ClinVar:

NM_007294.4(BRCA1):c.5193+24A>T

Gene: BRCA1 (BRCA1 DNA repair associated; minus strand). Cytogenetic location: 17q21.31.
Variant type: single nucleotide variant.
Coding change: c.5193+24A>T on transcript NM_007294.4 (MANE Select); 24 bases into the intron after coding-DNA position 5193, A replaced by T.
Molecular consequence: intron variant.
Genome position (GRCh38, 1-based): chr17:43,063,309, T>A on the plus strand (A>T on the coding strand, the complement: BRCA1 is on the minus strand). VCF-style: chr17-43063309-T-A. GRCh37 (hg19) VCF-style: chr17-41215326-T-A.
Other names: c.1740+24A>T (NM_001408458.1, NM_001408461.1, NM_001408464.1 and 7 more transcripts); c.4302+24A>T (NM_001407967.1); c.4812+24A>T (NM_001407959.1); c.4926+24A>T (NM_001407931.1, NM_001407932.1, NM_001407928.1 and 4 more transcripts); c.5049+24A>T (NM_001407747.1, NM_001407745.1, NM_001407737.1 and 21 more transcripts); c.4809+24A>T (NM_001407962.1, NM_001407960.1); c.1380+24A>T (NM_001408512.1); c.1503+24A>T (NM_001408510.1); and 72 more.
Identifiers: ClinVar variation 868153 (VCV000868153.3), dbSNP rs2051848504, ClinGen allele CA916079985.

Conditions:
Breast-ovarian cancer, familial, susceptibility to, 1 (BROVCA1). Also called: BRCA1 Hereditary Breast and Ovarian Cancer; OVARIAN CANCER, SUSCEPTIBILITY TO. Identifiers: Orphanet 145, MedGen C2676676, MONDO:0011450, OMIM 604370. Disease mechanism: loss of function.

Submission:

Brotman Baty Institute, University of Washington
No classification provided (evidence only). Condition: Breast-ovarian cancer, familial 1. Review status: no classification provided. Collection method: in vitro. Allele origin: not applicable. Functional consequence: functionally_normal.
ClinVar note: "not provided" was previously submitted as the classification for the variant. However, the classification appeared to be based only on an observation of functional data so it was converted to no classification on 2025-07-30.